The following is an entry in ClinVar:

NM_152564.5(VPS13B):c.11170G>T (p.Glu3724Ter)

Gene: VPS13B (vacuolar protein sorting 13 homolog B; plus strand). Cytogenetic location: 8q22.2.
Variant type: single nucleotide variant.
Coding change: c.11170G>T on transcript NM_152564.5 (MANE Select); coding-DNA position 11170, G replaced by T.
Protein change: p.Glu3724Ter; replaces glutamic acid 3724 with a stop codon.
Molecular consequence: nonsense.
Genome position (GRCh38, 1-based): chr8:99,861,901, G>T. VCF-style: chr8-99861901-G-T. GRCh37 (hg19) VCF-style: chr8-100874129-G-T.
Other names: c.11245G>T, p.Glu3749Ter (NM_017890.5); short protein forms E3724*, E3749*.
Identifiers: ClinVar variation 68081 (VCV000068081.2), dbSNP rs180177372, ClinGen allele CA284770.

ClinVar aggregate classification (germline): Pathogenic (0 of 4 stars; one submission).

Submission:

SNPedia
Classification: Pathogenic. Review status: no assertion criteria provided. Collection method: not provided. Allele origin: germline.
ClinVar note: Converted during submission from pathogenic to Pathogenic.